The following is an entry in ClinVar:

ClinVar aggregate classification (germline): Likely benign (1 of 4 stars; one submission).

Submission:

GeneDx
Classification: Likely benign. Last evaluated: 2017-09-15. Review status: criteria provided, single submitter. Criteria: GeneDx Variant Classification (06012015). Collection method: clinical testing. Allele origin: germline. Affected: yes.
Comment: This variant is considered likely benign or benign based on one or more of the following criteria: it is a conservative change, it occurs at a poorly conserved position in the protein, it is predicted to be benign by multiple in silico algorithms, and/or has population frequency not consistent with disease.

NM_006876.3(B4GAT1):c.-15C>G

Gene: B4GAT1 (beta-1,4-glucuronyltransferase 1; minus strand). Cytogenetic location: 11q13.2.
Variant type: single nucleotide variant.
Coding change: c.-15C>G on transcript NM_006876.3 (MANE Select); 15 bases upstream of the start codon, C replaced by G.
Molecular consequence: 5 prime UTR variant.
Genome position (GRCh38, 1-based): chr11:66,347,560, G>C on the plus strand (C>G on the coding strand, the complement: B4GAT1 is on the minus strand). VCF-style: chr11-66347560-G-C. GRCh37 (hg19) VCF-style: chr11-66115031-G-C.
Identifiers: ClinVar variation 512156 (VCV000512156.1), dbSNP rs752996774, ClinGen allele CA658797683.
Genomic context (GRCh38, chr11:66,347,560, plus strand): 5'-GCAGCAGCTGGTAGAAGGCGCACCGGATGGCGTAGGACATCTGCATGGCTCTCGGGGCTC[G>C]GGGCGCGCAGCAACGACCACCCGGCCACAGACTACGCCAGCGGCCGCAAGCCCGGATTTA-3'